The following is an entry in ClinVar:

NM_000081.4(LYST):c.3795A>T (p.Glu1265Asp)

Gene: LYST (lysosomal trafficking regulator; minus strand). Cytogenetic location: 1q42.3.
Variant type: single nucleotide variant.
Coding change: c.3795A>T on transcript NM_000081.4 (MANE Select); coding-DNA position 3795, A replaced by T.
Protein change: p.Glu1265Asp; replaces glutamic acid 1265 with aspartic acid.
Molecular consequence: missense variant.
Genome position (GRCh38, 1-based): chr1:235,801,015, T>A on the plus strand (A>T on the coding strand, the complement: LYST is on the minus strand). VCF-style: chr1-235801015-T-A. GRCh37 (hg19) VCF-style: chr1-235964315-T-A.
Other names: c.3795A>T, p.Glu1265Asp (NM_001301365.1); short protein forms E1265D.
Identifiers: ClinVar variation 1508631 (VCV001508631.4), dbSNP rs2527016046, ClinGen allele CA344944171.
Genomic context (GRCh38, chr1:235,801,015, plus strand): 5'-TTTGGCTTTACTAGCAGAAAGCAAATTTAATTCCAGCATACAAATCTCAGGATAAATTAT[T>A]TCCCCTTGAGTGAGGTTTTCGAGTAAGTCATTTGGACTGCTTGATGCACTGAAACCTTCT-3'
Protein context (NP_000072.2, residues 1255-1275): NDLLENLTQG[Glu1265Asp]IIYPEICMLE

ClinVar aggregate classification (germline): Uncertain significance (1 of 4 stars; one submission).

Conditions:
Chédiak-Higashi syndrome (CHS). Also called: Chediak-Higashi Syndrome. Identifiers: Orphanet 167, MedGen C0007965, MONDO:0008963, OMIM 214500.

gnomAD v4.1: 4 of 1,613,784 alleles (0.00025%); highest among the groups gnomAD compares: Non-Finnish European, 0.00034%; no homozygotes.

Submission:

Labcorp Genetics (formerly Invitae), Labcorp
Classification: Uncertain significance for Chédiak-Higashi syndrome. Last evaluated: 2025-03-17. Review status: criteria provided, single submitter. Criteria: Invitae Variant Classification Sherloc (09022015). Collection method: clinical testing. Allele origin: germline.
Comment: This sequence change replaces glutamic acid, which is acidic and polar, with aspartic acid, which is acidic and polar, at codon 1265 of the LYST protein (p.Glu1265Asp). This variant is not present in population databases (gnomAD no frequency). This variant has not been reported in the literature in individuals affected with LYST-related conditions. ClinVar contains an entry for this variant (Variation ID: 1508631). Invitae Evidence Modeling of protein sequence and biophysical properties (such as structural, functional, and spatial information, amino acid conservation, physicochemical variation, residue mobility, and thermodynamic stability) indicates that this missense variant is not expected to disrupt LYST protein function with a negative predictive value of 80%. In summary, the available evidence is currently insufficient to determine the role of this variant in disease. Therefore, it has been classified as a Variant of Uncertain Significance.